The following is an entry in ClinVar:

NM_000288.4(PEX7):c.941A>G (p.Tyr314Cys)

Gene: PEX7 (peroxisomal biogenesis factor 7; plus strand). Cytogenetic location: 6q23.3.
Variant type: single nucleotide variant.
Coding change: c.941A>G on transcript NM_000288.4 (MANE Select); coding-DNA position 941, A replaced by G.
Protein change: p.Tyr314Cys; replaces tyrosine 314 with cysteine.
Molecular consequence: missense variant.
Genome position (GRCh38, 1-based): chr6:136,913,495, A>G. VCF-style: chr6-136913495-A-G. GRCh37 (hg19) VCF-style: chr6-137234633-A-G.
Other names: short protein forms Y314C.
Identifiers: ClinVar variation 355536 (VCV000355536.14), dbSNP rs201106072, ClinGen allele CA4017812.

ClinVar aggregate classification (germline): Uncertain significance. Review status: criteria provided, multiple submitters, no conflicts (2 of 4 stars). 8 submissions from 7 submitters: Uncertain significance (8). Last evaluated 2026-08-06.

Conditions:
Peroxisome biogenesis disorder 9B. Also called: PEX7-Related Refsum Disease; Refsum disease, adult, 2; PEROXISOME BIOGENESIS DISORDER, PEX7-RELATED, ATYPICAL. Identifiers: Orphanet 773, MedGen C2749346, MONDO:0013945, OMIM 614879.
PEX7-related disorder. Also called: PEX7-related condition; PEX7-related disorders. Identifiers: MedGen CN239409.
Inborn genetic diseases. Identifiers: MedGen C0950123, MeSH D030342.
Rhizomelic chondrodysplasia punctata type 1 (RCDP1). Also called: CHONDRODYSTROPHIA CALCIFICANS PUNCTATA; PEX7-Related Rhizomelic Chondrodysplasia Punctata; PEROXISOME BIOGENESIS DISORDER 9. Identifiers: Orphanet 177, Orphanet 309789, MedGen C1859133, MONDO:0008972, OMIM 215100. Disease mechanism: loss of function.

Allele frequency attached by ClinVar (database versions not stated): gnomAD 0.00004; TOPMed 0.00004; gnomAD exomes 0.00006; ExAC 0.00007; ESP Exome Variant Server 0.00015.
gnomAD v4.1: 63 of 1,612,608 alleles (0.0039%); highest among the groups gnomAD compares: Admixed American, 0.0067%; no homozygotes.

Submissions (8):

OLLIN Analises Genomicas, OLLIN
Classification: Uncertain significance for Peroxisome biogenesis disorder 9B. Last evaluated: 2026-08-06. Review status: criteria provided, single submitter. Criteria: ACMG Guidelines 2015 PMID 25741868. Collection method: clinical testing. Allele origin: germline.
Comment: This missense variant, located in exon 10 (of 10), has been reported in ClinVar (accession VCV000355536.12) and in gnomAD with an allele frequency of 0.0039%. However, to our knowledge, it has not been reported in the scientific literature. In silico analysis predicts that this variant has a deleterious effect. According to the currently available evidence, this variant has been classified as uncertain significance (PM2_P, PP3_M).

PreventionGenetics, part of Exact Sciences
Classification: Uncertain significance for PEX7-related condition. Last evaluated: 2026-03-23. Review status: criteria provided, single submitter. Criteria: ACMG Guidelines, 2015. Collection method: clinical testing. Allele origin: germline.
Comment: The PEX7 c.941A>G variant is predicted to result in the amino acid substitution p.Tyr314Cys. To our knowledge, this variant has not been reported in the literature. This variant is reported in 0.011% of alleles in individuals of European (Non-Finnish) descent in gnomAD. At this time, the clinical significance of this variant is uncertain due to the absence of conclusive functional and genetic evidence.

Ambry Genetics
Classification: Uncertain significance for Inborn genetic diseases. Last evaluated: 2025-01-27. Review status: criteria provided, single submitter. Criteria: Ambry Variant Classification Scheme 2023. Collection method: clinical testing. Allele origin: germline.

Blueprint Genetics
Classification: Uncertain significance. Last evaluated: 2024-09-06. Review status: criteria provided, single submitter. Criteria: ACMG Guidelines, 2015. Collection method: clinical testing. Allele origin: germline.

Labcorp Genetics (formerly Invitae), Labcorp
Classification: Uncertain significance for Peroxisome biogenesis disorder 9B. Last evaluated: 2022-09-06. Review status: criteria provided, single submitter. Criteria: Invitae Variant Classification Sherloc (09022015). Collection method: clinical testing. Allele origin: germline.
Comment: This sequence change replaces tyrosine, which is neutral and polar, with cysteine, which is neutral and slightly polar, at codon 314 of the PEX7 protein (p.Tyr314Cys). This variant is present in population databases (rs201106072, gnomAD 0.01%). This variant has not been reported in the literature in individuals affected with PEX7-related conditions. ClinVar contains an entry for this variant (Variation ID: 355536). Algorithms developed to predict the effect of missense changes on protein structure and function are either unavailable or do not agree on the potential impact of this missense change (SIFT: "Deleterious"; PolyPhen-2: "Probably Damaging"; Align-GVGD: "Class C0"). In summary, the available evidence is currently insufficient to determine the role of this variant in disease. Therefore, it has been classified as a Variant of Uncertain Significance.

Illumina Laboratory Services, Illumina
Classification: Uncertain significance for Rhizomelic chondrodysplasia punctata type 1. Last evaluated: 2018-01-13. Review status: criteria provided, single submitter. Criteria: ICSL Variant Classification Criteria 13 December 2019. Collection method: clinical testing. Allele origin: germline.

Illumina Laboratory Services, Illumina
Classification: Uncertain significance for Peroxisome biogenesis disorder 9B. Last evaluated: 2018-01-13. Review status: criteria provided, single submitter. Criteria: ICSL Variant Classification Criteria 13 December 2019. Collection method: clinical testing. Allele origin: germline.

Eurofins Ntd Llc (ga)
Classification: Uncertain significance. Last evaluated: 2016-11-14. Review status: criteria provided, single submitter. Criteria: EGL Classification Definitions 2015. Collection method: clinical testing. Allele origin: germline. Observed: 1 variant allele, 1 heterozygote.